The following is an entry in ClinVar:

ClinVar aggregate classification (germline): Uncertain significance (1 of 4 stars; one submission).

gnomAD v4.1: 1 of 1,613,928 alleles (0.000062%); highest among the groups gnomAD compares: Non-Finnish European, 0.000085%; no homozygotes.

Submission:

GeneDx
Classification: Uncertain significance. Last evaluated: 2024-03-25. Review status: criteria provided, single submitter. Criteria: GeneDx Variant Classification Process June 2021. Collection method: clinical testing. Allele origin: germline. Affected: yes.
Comment: Has not been previously published as pathogenic or benign to our knowledge; Not observed at significant frequency in large population cohorts (gnomAD); In silico analysis supports that this missense variant has a deleterious effect on protein structure/function

NM_001040436.3(YARS2):c.269G>A (p.Gly90Asp)

Gene: YARS2 (tyrosyl-tRNA synthetase 2; minus strand). Cytogenetic location: 12p11.21.
Variant type: single nucleotide variant.
Coding change: c.269G>A on transcript NM_001040436.3 (MANE Select); coding-DNA position 269, G replaced by A.
Protein change: p.Gly90Asp; replaces glycine 90 with aspartic acid.
Molecular consequence: missense variant.
Genome position (GRCh38, 1-based): chr12:32,755,606, C>T on the plus strand (G>A on the coding strand, the complement: YARS2 is on the minus strand). VCF-style: chr12-32755606-C-T. GRCh37 (hg19) VCF-style: chr12-32908540-C-T.
Other names: short protein forms G90D.
Identifiers: ClinVar variation 3371352 (VCV003371352.1).